The following is an entry in ClinVar:

NM_001252024.2(TRPM1):c.3556C>T (p.Gln1186Ter)

Genes: TRPM1-AS1 (TRPM1 antisense RNA 1; plus strand), TRPM1 (transient receptor potential cation channel subfamily M member 1; minus strand), LOC126862088 (BRD4-independent group 4 enhancer GRCh37_chr15:31318084-31319283; plus strand). Cytogenetic location: 15q13.3.
Variant type: single nucleotide variant.
Coding change: c.3556C>T on transcript NM_001252024.2 (MANE Select); coding-DNA position 3556, C replaced by T.
Protein change: p.Gln1186Ter; replaces glutamine 1186 with a stop codon.
Molecular consequence: nonsense.
Genome position (GRCh38, 1-based): chr15:31,026,212, G>A on the plus strand (C>T on the coding strand, the complement: TRPM1 is on the minus strand). VCF-style: chr15-31026212-G-A. GRCh37 (hg19) VCF-style: chr15-31318415-G-A.
Other names: c.3607C>T, p.Gln1203Ter (NM_001252020.2); c.3490C>T, p.Gln1164Ter (NM_002420.6); short protein forms Q1164*, Q1203*, Q1186*.
Identifiers: ClinVar variation 2110763 (VCV002110763.4), dbSNP rs2543159855, ClinGen allele CA391540267.

ClinVar aggregate classification (germline): Pathogenic (1 of 4 stars; one submission).

Submission:

Labcorp Genetics (formerly Invitae), Labcorp
Classification: Pathogenic. Last evaluated: 2022-03-13. Review status: criteria provided, single submitter. Criteria: Invitae Variant Classification Sherloc (09022015). Collection method: clinical testing. Allele origin: germline.
Comment: For these reasons, this variant has been classified as Pathogenic. This variant has not been reported in the literature in individuals affected with TRPM1-related conditions. This variant is not present in population databases (gnomAD no frequency). This sequence change creates a premature translational stop signal (p.Gln1164*) in the TRPM1 gene. It is expected to result in an absent or disrupted protein product. Loss-of-function variants in TRPM1 are known to be pathogenic (PMID: 19896113, 19966281, 20300565).

Literature cited by the submitters: PubMed 19896113; PubMed 19966281; PubMed 20300565.